The following is an entry in ClinVar:

ClinVar aggregate classification (germline): Uncertain significance (1 of 4 stars; one submission).

Allele frequency attached by ClinVar (database versions not stated): gnomAD exomes below 0.00001 and 0.00001.
gnomAD v4.1: 1 of 1,614,190 alleles (0.000062%); highest among the groups gnomAD compares: Admixed American, 0.0017%; no homozygotes.

Submission:

Labcorp Genetics (formerly Invitae), Labcorp
Classification: Uncertain significance. Last evaluated: 2021-06-16. Review status: criteria provided, single submitter. Criteria: Invitae Variant Classification Sherloc (09022015). Collection method: clinical testing. Allele origin: germline.
Comment: This sequence change replaces lysine with arginine at codon 684 of the ERBB2 protein (p.Lys684Arg). The lysine residue is highly conserved and there is a small physicochemical difference between lysine and arginine. In summary, the available evidence is currently insufficient to determine the role of this variant in disease. Therefore, it has been classified as a Variant of Uncertain Significance. Algorithms developed to predict the effect of missense changes on protein structure and function (SIFT, PolyPhen-2, Align-GVGD) all suggest that this variant is likely to be disruptive, but these predictions have not been confirmed by published functional studies and their clinical significance is uncertain. This variant has not been reported in the literature in individuals with ERBB2-related conditions. This variant is not present in population databases (ExAC no frequency).

NM_004448.4(ERBB2):c.2051A>G (p.Lys684Arg)

Gene: ERBB2 (erb-b2 receptor tyrosine kinase 2; plus strand). Cytogenetic location: 17q12.
Variant type: single nucleotide variant.
Coding change: c.2051A>G on transcript NM_004448.4 (MANE Select); coding-DNA position 2051, A replaced by G.
Protein change: p.Lys684Arg; replaces lysine 684 with arginine.
Molecular consequence: missense variant. On other transcripts: non-coding transcript variant (1), intron variant (1).
Genome position (GRCh38, 1-based): chr17:39,723,423, A>G. VCF-style: chr17-39723423-A-G. GRCh37 (hg19) VCF-style: chr17-37879676-A-G.
Other names: c.1961A>G, p.Lys654Arg (NM_001005862.3, NM_001382782.1, NM_001382783.1); c.2006A>G, p.Lys669Arg (NM_001289936.2); c.2051A>G, p.Lys684Arg (NM_001289937.2, NM_001382792.1, NM_001382793.1 and 7 more transcripts); c.2168A>G, p.Lys723Arg (NM_001382784.1, NM_001382786.1); c.2153A>G, p.Lys718Arg (NM_001382785.1); c.2126A>G, p.Lys709Arg (NM_001382787.1); c.2081A>G, p.Lys694Arg (NM_001382788.1); c.2072A>G, p.Lys691Arg (NM_001382789.1); and 7 more; short protein forms K681R, K684R, K691R, K709R, K624R, K683R, K718R, K408R.
Identifiers: ClinVar variation 1462915 (VCV001462915.8), dbSNP rs1302627802, ClinGen allele CA399301235.